The following is an entry in ClinVar:

ClinVar aggregate classification (germline): Likely benign (1 of 4 stars; one submission).

gnomAD v4.1: 73 of 1,613,912 alleles (0.0045%); highest among the groups gnomAD compares: South Asian, 0.047%; 1 homozygote.

Submission:

CeGaT Center for Human Genetics Tuebingen
Classification: Likely benign. Last evaluated: 2026-05-01. Review status: criteria provided, single submitter. Criteria: CeGaT Center For Human Genetics Tuebingen Variant Classification Criteria Version 2. Collection method: clinical testing. Allele origin: germline. Affected: yes. Observed: 1 variant allele.
Comment: WDFY3: BS2

NM_014991.6(WDFY3):c.9397G>A (p.Ala3133Thr)

Gene: WDFY3 (WD repeat and FYVE domain containing 3; minus strand). Cytogenetic location: 4q21.23.
Variant type: single nucleotide variant.
Coding change: c.9397G>A on transcript NM_014991.6 (MANE Select); coding-DNA position 9397, G replaced by A.
Protein change: p.Ala3133Thr; replaces alanine 3133 with threonine.
Molecular consequence: missense variant.
Genome position (GRCh38, 1-based): chr4:84,688,232, C>T on the plus strand (G>A on the coding strand, the complement: WDFY3 is on the minus strand). VCF-style: chr4-84688232-C-T. GRCh37 (hg19) VCF-style: chr4-85609385-C-T.
Other names: short protein forms A3133T.
Identifiers: ClinVar variation 4874389 (VCV004874389.2).